The following is an entry in ClinVar:

NM_003737.4(DCHS1):c.7537C>T (p.Arg2513Cys)

Gene: DCHS1 (dachsous cadherin-related 1; minus strand). Cytogenetic location: 11p15.4.
Variant type: single nucleotide variant.
Coding change: c.7537C>T on transcript NM_003737.4 (MANE Select); coding-DNA position 7537, C replaced by T.
Protein change: p.Arg2513Cys; replaces arginine 2513 with cysteine.
Molecular consequence: missense variant.
Genome position (GRCh38, 1-based): chr11:6,624,139, G>A on the plus strand (C>T on the coding strand, the complement: DCHS1 is on the minus strand). VCF-style: chr11-6624139-G-A. GRCh37 (hg19) VCF-style: chr11-6645370-G-A.
Other names: c.7537C>T (NM_003737.2); short protein forms R2513C.
Identifiers: ClinVar variation 1429580 (VCV001429580.10), dbSNP rs199521286, ClinGen allele CA5859583.

ClinVar aggregate classification (germline): Uncertain significance. Review status: criteria provided, multiple submitters, no conflicts (2 of 4 stars). 3 submissions from 3 submitters: Uncertain significance (3). Last evaluated 2025-08-15.

Conditions:
Van Maldergem syndrome 1 (VMLDS1). Also called: Van Maldergem syndrome 1 (VMLDS1). Identifiers: Orphanet 314679, MedGen C4551950, MONDO:0011070, OMIM 601390.
Mitral valve prolapse, myxomatous 2. Also called: MMVP2; Mitral valve prolapse 2. Identifiers: MedGen C1843003, MONDO:0011915, OMIM 607829.
Inborn genetic diseases. Identifiers: MedGen C0950123, MeSH D030342.

Allele frequency attached by ClinVar (database versions not stated): gnomAD exomes 0.00001 and 0.00002; 1000 Genomes Project 30x 0.00047; TOPMed 0.00002; gnomAD 0.00002 and 0.00005; ExAC 0.00005; 1000 Genomes Project 0.00060.
gnomAD v4.1: 24 of 1,611,848 alleles (0.0015%); highest among the groups gnomAD compares: African/African-American, 0.012%; no homozygotes.

Submissions (3):

Ambry Genetics
Classification: Uncertain significance for Inborn genetic diseases. Last evaluated: 2025-08-15. Review status: criteria provided, single submitter. Criteria: Ambry Variant Classification Scheme 2023. Collection method: clinical testing. Allele origin: germline.

Labcorp Genetics (formerly Invitae), Labcorp
Classification: Uncertain significance. Last evaluated: 2025-03-31. Review status: criteria provided, single submitter. Criteria: Invitae Variant Classification Sherloc (09022015). Collection method: clinical testing. Allele origin: germline.
Comment: This sequence change replaces arginine, which is basic and polar, with cysteine, which is neutral and slightly polar, at codon 2513 of the DCHS1 protein (p.Arg2513Cys). This variant is present in population databases (rs199521286, gnomAD 0.02%). This variant has not been reported in the literature in individuals affected with DCHS1-related conditions. ClinVar contains an entry for this variant (Variation ID: 1429580). Invitae Evidence Modeling of protein sequence and biophysical properties (such as structural, functional, and spatial information, amino acid conservation, physicochemical variation, residue mobility, and thermodynamic stability) indicates that this missense variant is not expected to disrupt DCHS1 protein function with a negative predictive value of 80%. In summary, the available evidence is currently insufficient to determine the role of this variant in disease. Therefore, it has been classified as a Variant of Uncertain Significance.

Fulgent Genetics
Classification: Uncertain significance for Van Maldergem syndrome 1; Mitral valve prolapse, myxomatous 2. Last evaluated: 2024-03-29. Review status: criteria provided, single submitter. Criteria: ACMG Guidelines, 2015. Collection method: clinical testing. Allele origin: germline.